The following is an entry in ClinVar:

ClinVar aggregate classification (germline): Uncertain significance (1 of 4 stars; one submission).

Conditions:
Episodic ataxia type 2 (EA2). Also called: CEREBELLAR ATAXIA, PAROXYSMAL, ACETAZOLAMIDE-RESPONSIVE; CEREBELLOPATHY, HEREDITARY PAROXYSMAL; EPISODIC ATAXIA, NYSTAGMUS-ASSOCIATED; ACETAZOLAMIDE-RESPONSIVE HEREDITARY PAROXYSMAL CEREBELLAR ATAXIA; ATAXIA, EPISODIC, WITH NYSTAGMUS; ATAXIA, FAMILIAL PAROXYSMAL. Identifiers: Orphanet 97, MedGen C1720416, MONDO:0007163, OMIM 108500.
Developmental and epileptic encephalopathy, 42 (DEE42A). Also called: Epileptic encephalopathy, early infantile, 42; DEVELOPMENTAL AND EPILEPTIC ENCEPHALOPATHY 42A; EPILEPTIC ENCEPHALOPATHY, EARLY INFANTILE, 42A. Identifiers: MedGen C4310716, MONDO:0014917, OMIM 617106.

Submission:

Labcorp Genetics (formerly Invitae), Labcorp
Classification: Uncertain significance for Developmental and epileptic encephalopathy, 42; Episodic ataxia type 2. Last evaluated: 2025-05-17. Review status: criteria provided, single submitter. Criteria: Invitae Variant Classification Sherloc (09022015). Collection method: clinical testing. Allele origin: germline.
Comment: This sequence change replaces threonine, which is neutral and polar, with isoleucine, which is neutral and non-polar, at codon 1230 of the CACNA1A protein (p.Thr1230Ile). This variant is not present in population databases (gnomAD no frequency). This variant has not been reported in the literature in individuals affected with CACNA1A-related conditions. ClinVar contains an entry for this variant (Variation ID: 2944659). Invitae Evidence Modeling of protein sequence and biophysical properties (such as structural, functional, and spatial information, amino acid conservation, physicochemical variation, residue mobility, and thermodynamic stability) has been performed for this missense variant. However, the output from this modeling did not meet the statistical confidence thresholds required to predict the impact of this variant on CACNA1A protein function. In summary, the available evidence is currently insufficient to determine the role of this variant in disease. Therefore, it has been classified as a Variant of Uncertain Significance.

NM_001127222.2(CACNA1A):c.3686C>T (p.Thr1229Ile)

Gene: CACNA1A (calcium voltage-gated channel subunit alpha1 A; minus strand). Cytogenetic location: 19p13.13.
Variant type: single nucleotide variant.
Coding change: c.3686C>T on transcript NM_001127222.2 (MANE Select); coding-DNA position 3686, C replaced by T.
Protein change: p.Thr1229Ile; replaces threonine 1229 with isoleucine.
Molecular consequence: missense variant.
Genome position (GRCh38, 1-based): chr19:13,285,074, G>A on the plus strand (C>T on the coding strand, the complement: CACNA1A is on the minus strand). VCF-style: chr19-13285074-G-A. GRCh37 (hg19) VCF-style: chr19-13395888-G-A.
Other names: c.3698C>T, p.Thr1233Ile (NM_000068.4, NM_023035.3); c.3689C>T, p.Thr1230Ile (NM_001127221.2, NM_001174080.2); short protein forms T1230I, T1229I, T1233I.
Identifiers: ClinVar variation 2944659 (VCV002944659.3), dbSNP rs2512848134, ClinGen allele CA404340834.
Genomic context (GRCh38, chr19:13,285,074, plus strand): 5'-CCACCCTGGTGGGAGCCCCAGGCCCCCCCTGCCCTTGCTGGGGGCCATACTCACGGGTTG[G>A]TCGTGGACAGGATGAACATGGAGCTATAGGGAGGCATTGGCTTAGGGCCGTCTTCCCCAC-3'
Protein context (NP_001120694.1, residues 1219-1239): PYSSMFILST[Thr1229Ile]NPLRRLCHYI